The following is an entry in ClinVar:

NM_001386795.1(DTNA):c.1966T>C (p.Ser656Pro)

Gene: DTNA (dystrobrevin alpha; plus strand). Cytogenetic location: 18q12.1.
Variant type: single nucleotide variant.
Coding change: c.1966T>C on transcript NM_001386795.1 (MANE Select); coding-DNA position 1966, T replaced by C.
Protein change: p.Ser656Pro; replaces serine 656 with proline.
Molecular consequence: missense variant.
Genome position (GRCh38, 1-based): chr18:34,877,781, T>C. VCF-style: chr18-34877781-T-C. GRCh37 (hg19) VCF-style: chr18-32457745-T-C.
Other names: c.1705T>C, p.Ser569Pro (NM_001198938.2, NM_001198940.2, NM_001386753.1 and 5 more transcripts); c.1726T>C, p.Ser576Pro (NM_001198939.2); c.1012T>C, p.Ser338Pro (NM_001198942.1); c.955T>C, p.Ser319Pro (NM_001198943.1); c.841T>C, p.Ser281Pro (NM_001198944.1); c.1795T>C, p.Ser599Pro (NM_001386754.1, NM_001386755.1, NM_001386756.1 and 3 more transcripts); c.1792T>C, p.Ser598Pro (NM_001386760.1); c.1714T>C, p.Ser572Pro (NM_001386761.1, NM_032975.4); and 5 more; short protein forms S572P, S576P, S598P, S629P, S277P, S338P, S569P, S599P.
Identifiers: ClinVar variation 4736617 (VCV004736617.1).

ClinVar aggregate classification (germline): Uncertain significance (1 of 4 stars; one submission).

Conditions:
Left ventricular noncompaction 1 (LVNC1). Also called: LEFT VENTRICULAR NONCOMPACTION 1 WITH OR WITHOUT CONGENITAL HEART DEFECTS. Identifiers: Orphanet 54260, MedGen C1858725, MONDO:0011403, OMIM 604169.

Submission:

Labcorp Genetics (formerly Invitae), Labcorp
Classification: Uncertain significance for Left ventricular noncompaction 1. Last evaluated: 2026-02-03. Review status: criteria provided, single submitter. Criteria: Invitae Variant Classification Sherloc (09022015). Collection method: clinical testing. Allele origin: germline.
Comment: This sequence change replaces serine, which is neutral and polar, with proline, which is neutral and non-polar, at codon 629 of the DTNA protein (p.Ser629Pro). This variant is not present in population databases (gnomAD no frequency). This variant has not been reported in the literature in individuals affected with DTNA-related conditions. An algorithm developed to predict the effect of missense changes on protein structure and function (PolyPhen-2) suggests that this variant is likely to be disruptive. In summary, the available evidence is currently insufficient to determine the role of this variant in disease. Therefore, it has been classified as a Variant of Uncertain Significance.